The following is an entry in ClinVar:

NM_194277.3(FRMD7):c.613G>A (p.Ala205Thr)

Gene: FRMD7 (FERM domain containing 7; minus strand). Cytogenetic location: Xq26.2.
Variant type: single nucleotide variant.
Coding change: c.613G>A on transcript NM_194277.3 (MANE Select); coding-DNA position 613, G replaced by A.
Protein change: p.Ala205Thr; replaces alanine 205 with threonine.
Molecular consequence: missense variant.
Genome position (GRCh38, 1-based): chrX:132,085,613, C>T on the plus strand (G>A on the coding strand, the complement: FRMD7 is on the minus strand). VCF-style: chrX-132085613-C-T. GRCh37 (hg19) VCF-style: chrX-131219641-C-T.
Other names: c.568G>A, p.Ala190Thr (NM_001306193.2); short protein forms A190T, A205T.
Identifiers: ClinVar variation 5017946 (VCV005017946.1).

ClinVar aggregate classification (germline): Uncertain significance (1 of 4 stars; one submission).

Submission:

GeneDx
Classification: Uncertain significance. Last evaluated: 2026-04-01. Review status: criteria provided, single submitter. Criteria: GeneDx Variant Classification Process June 2021. Collection method: clinical testing. Allele origin: germline.
Comment: Not observed at significant frequency in large population cohorts (gnomAD); In silico analysis supports that this missense variant has a deleterious effect on protein structure/function; Has not been previously published as pathogenic or benign to our knowledge